The following is an entry in ClinVar:

NM_032638.5(GATA2):c.706A>T (p.Met236Leu)

Gene: GATA2 (GATA binding protein 2; minus strand). Cytogenetic location: 3q21.3.
Variant type: single nucleotide variant.
Coding change: c.706A>T on transcript NM_032638.5 (MANE Select); coding-DNA position 706, A replaced by T.
Protein change: p.Met236Leu; replaces methionine 236 with leucine.
Molecular consequence: missense variant.
Genome position (GRCh38, 1-based): chr3:128,485,892, T>A on the plus strand (A>T on the coding strand, the complement: GATA2 is on the minus strand). VCF-style: chr3-128485892-T-A. GRCh37 (hg19) VCF-style: chr3-128204735-T-A.
Other names: c.706A>T, p.Met236Leu (NM_001145661.2, NM_001145662.1); short protein forms M236L.
Identifiers: ClinVar variation 1368149 (VCV001368149.8), dbSNP rs746737860, ClinGen allele CA354406205.

ClinVar aggregate classification (germline): Uncertain significance (1 of 4 stars; one submission).

Conditions:
Deafness-lymphedema-leukemia syndrome. Also called: Emberger syndrome; Lymphedema, primary, with myelodysplasia. Identifiers: Orphanet 3226, MedGen C3279664, MONDO:0013540, OMIM 614038.
Monocytopenia with susceptibility to infections. Also called: MONOCYTOPENIA AND MYCOBACTERIAL INFECTION SYNDROME; GATA2 DEFICIENCY; IMMUNODEFICIENCY 21; MONOCYTOPENIA WITH SUSCEPTIBILITY TO MYCOBACTERIAL, FUNGAL, AND PAPILLOMAVIRUS INFECTIONS AND MYELODYSPLASIA; COMBINED IMMUNODEFICIENCY WITH SUSCEPTIBILITY TO MYCOBACTERIAL, VIRAL, AND FUNGAL INFECTIONS; Dendritic cell, monocyte, B lymphocyte, and natural killer lymphocyte deficiency. Identifiers: Orphanet 228423, MedGen C3280030, MONDO:0013607, OMIM 614172.

Submission:

Labcorp Genetics (formerly Invitae), Labcorp
Classification: Uncertain significance for Monocytopenia with susceptibility to infections; Deafness-lymphedema-leukemia syndrome. Last evaluated: 2021-07-17. Review status: criteria provided, single submitter. Criteria: Invitae Variant Classification Sherloc (09022015). Collection method: clinical testing. Allele origin: germline.
Comment: In summary, the available evidence is currently insufficient to determine the role of this variant in disease. Therefore, it has been classified as a Variant of Uncertain Significance. Advanced modeling of protein sequence and biophysical properties (such as structural, functional, and spatial information, amino acid conservation, physicochemical variation, residue mobility, and thermodynamic stability) performed at Invitae indicates that this missense variant is not expected to disrupt GATA2 protein function. This variant has not been reported in the literature in individuals affected with GATA2-related conditions. This variant is not present in population databases (ExAC no frequency). This sequence change replaces methionine with leucine at codon 236 of the GATA2 protein (p.Met236Leu). The methionine residue is moderately conserved and there is a small physicochemical difference between methionine and leucine.